The following is an entry in ClinVar:

NM_001457.4(FLNB):c.6515G>A (p.Arg2172His)

Gene: FLNB (filamin B; plus strand). Cytogenetic location: 3p14.3.
Variant type: single nucleotide variant.
Coding change: c.6515G>A on transcript NM_001457.4 (MANE Select); coding-DNA position 6515, G replaced by A.
Protein change: p.Arg2172His; replaces arginine 2172 with histidine.
Molecular consequence: missense variant.
Genome position (GRCh38, 1-based): chr3:58,153,522, G>A. VCF-style: chr3-58153522-G-A. GRCh37 (hg19) VCF-style: chr3-58139249-G-A.
Other names: c.6608G>A, p.Arg2203His (NM_001164317.2); c.6482G>A, p.Arg2161His (NM_001164318.2); c.6443G>A, p.Arg2148His (NM_001164319.2); short protein forms R2172H, R2203H, R2148H, R2161H.
Identifiers: ClinVar variation 618136 (VCV000618136.64), dbSNP rs139846706, ClinGen allele CA2469416.

ClinVar aggregate classification (germline): Conflicting classifications of pathogenicity. Review status: criteria provided, conflicting classifications (1 of 4 stars). 6 submissions from 6 submitters: Uncertain significance (4); Likely benign (2). Last evaluated 2025-06-27.

Conditions:
Connective tissue disorder. Also called: Connective tissue disease. Identifiers: MedGen C0009782, MONDO:0003900.
Inborn genetic diseases. Identifiers: MedGen C0950123, MeSH D030342.

Allele frequency attached by ClinVar (database versions not stated): ESP Exome Variant Server 0.00031; gnomAD 0.00034 and 0.00030; gnomAD exomes 0.00007 and 0.00008; ExAC 0.00011; 1000 Genomes Project 30x 0.00016; 1000 Genomes Project 0.00020; TOPMed 0.00026.
gnomAD v4.1: 161 of 1,614,164 alleles (0.01%); highest among the groups gnomAD compares: African/African-American, 0.075%; no homozygotes.

Submissions (6):

Labcorp Genetics (formerly Invitae), Labcorp
Classification: Likely benign. Last evaluated: 2025-06-27. Review status: criteria provided, single submitter. Criteria: Invitae Variant Classification Sherloc (09022015). Collection method: clinical testing. Allele origin: germline.

ARUP Laboratories, Molecular Genetics and Genomics, ARUP Laboratories
Classification: Uncertain significance. Last evaluated: 2024-01-26. Review status: criteria provided, single submitter. Criteria: ARUP Molecular Germline Variant Investigation Process 2024. Collection method: clinical testing. Allele origin: germline.
Comment: The FLNB c.6515G>A; p.Arg2172His variant (rs139846706), to our knowledge, is not reported in the medical literature but is reported in ClinVar (Variation ID: 618136). This variant is observed in the general population with an overall allele frequency of 0.01% (29/282724 alleles) in the Genome Aggregation Database (v2.1.1). Computational analyses are uncertain whether this variant is neutral or deleterious (REVEL: 0.158). Due to the occurrence of p.Arg2172His in the general adult population, this variant is unlikely to be associated with a severe autosomal dominant FLNB-related disease such as atelosteogenesis types I (AOI) and III (AOIII) or Piepkorn osteochondrodysplasia (Robertson 2020); however, due to limited information regarding the p.Arg2172His variant, its clinical significance for a milder or autosomal recessive condition cannot be excluded. REFERENCES Robertson S. FLNB Disorders. 2008 Oct 9 (Updated 2020 Feb 13). In: Adam MP, Ardinger HH, Pagon RA, et al., editors. GeneReviews (Internet). Seattle (WA): University of Washington, Seattle; 1993-2020.

GeneDx
Classification: Uncertain significance. Last evaluated: 2023-02-02. Review status: criteria provided, single submitter. Criteria: GeneDx Variant Classification Process June 2021. Collection method: clinical testing. Allele origin: germline. Affected: yes.
Comment: In silico analysis supports that this missense variant has a deleterious effect on protein structure/function; Has not been previously published as pathogenic or benign to our knowledge

Ambry Genetics
Classification: Likely benign for Inborn genetic diseases. Last evaluated: 2022-11-30. Review status: criteria provided, single submitter. Criteria: Ambry Variant Classification Scheme 2023. Collection method: clinical testing. Allele origin: germline.

Genome Diagnostics Laboratory, The Hospital for Sick Children
Classification: Uncertain significance for Connective tissue disorder. Last evaluated: 2021-10-28. Review status: criteria provided, single submitter. Criteria: ACMG Guidelines, 2015. Collection method: clinical testing. Allele origin: germline.

CeGaT Center for Human Genetics Tuebingen
Classification: Uncertain significance. Last evaluated: 2016-05-01. Review status: criteria provided, single submitter. Criteria: CeGaT Center For Human Genetics Tuebingen Variant Classification Criteria Version 2. Collection method: clinical testing. Allele origin: germline. Affected: yes. Observed: 1 variant allele.